The following is an entry in ClinVar:

NM_001164508.2(NEB):c.13070_13071del (p.Lys4357fs)

Gene: NEB (nebulin; minus strand). Cytogenetic location: 2q23.3.
Variant type: Deletion.
Coding change: c.13070_13071del on transcript NM_001164508.2 (MANE Select); coding-DNA positions 13070 to 13071, 2 bases deleted (AG; older notation c.13070_13071delAG).
Protein change: p.Lys4357fs; shifts the reading frame from lysine 4357.
Molecular consequence: frameshift variant. On other transcripts: intron variant (1).
Genome position (GRCh38, 1-based): chr2:151,603,761-151,603,762, CT deleted on the plus strand (AG on the coding strand, the reverse complement: NEB is on the minus strand). VCF-style (leftmost placement, unchanged base first): chr2-151603760-ACT-A. GRCh37 (hg19) VCF-style: chr2-152460274-ACT-A.
Other names: c.13070_13071del, p.Lys4357fs (NM_001164507.2, NM_001271208.2); c.11601+6047_11601+6048del (NM_004543.5); short protein forms K4357fs.
Identifiers: ClinVar variation 2146105 (VCV002146105.4), dbSNP rs2552223044, ClinGen allele CA2580064098.
Genomic context (GRCh38, chr2:151,603,760, plus strand): 5'-TCATCACTTCCACAGAACCCTCTGGCAGCCATCCAATACCCTTCAGCCATTCCAGGTCTG[ACT>A]TGTACAAGTTCTACATGAAGGAGAGGAACACAGAGTGGGGAAGAGTCAAAGTTGCCCATA-3'

ClinVar aggregate classification (germline): Pathogenic (1 of 4 stars; one submission).

Conditions:
Nemaline myopathy 2 (NEM2). Also called: Nemaline myopathy 2, autosomal recessive. Identifiers: MedGen C1850569, MONDO:0009725, OMIM 256030.

Submission:

Labcorp Genetics (formerly Invitae), Labcorp
Classification: Pathogenic for Nemaline myopathy 2. Last evaluated: 2022-01-03. Review status: criteria provided, single submitter. Criteria: Invitae Variant Classification Sherloc (09022015). Collection method: clinical testing. Allele origin: germline.
Comment: This variant occurs in a region of NEB (Exons 82-105) consisting of three highly homologous 8-exon repeat units (exons 82-89, exons 90-97, exons 98-105). Sequence variants in this region can be detected, but this assay cannot determine which of the three repeat units is affected, and zygosity is often ambiguous. All variants in this region are reported relative to the exon 82-89 repeat. For these reasons, this variant has been classified as Pathogenic. The frequency data for this variant in the population databases (gnomAD) is considered unreliable due to the presence of homologous sequence, such as pseudogenes or paralogs, in the genome. This sequence change creates a premature translational stop signal (p.Lys4357Ilefs*31) in the NEB gene. It is expected to result in an absent or disrupted protein product. Loss-of-function variants in NEB are known to be pathogenic (PMID: 25205138). This variant has not been reported in the literature in individuals affected with NEB-related conditions.

Literature cited by the submitters: PubMed 25205138.